The following is an entry in ClinVar:

NM_175914.5(HNF4A):c.826+169A>G

Gene: HNF4A (hepatocyte nuclear factor 4 alpha; plus strand). Cytogenetic location: 20q13.12.
Variant type: single nucleotide variant.
Coding change: c.826+169A>G on transcript NM_175914.5 (MANE Select); 169 bases into the intron after coding-DNA position 826, A replaced by G.
Molecular consequence: intron variant.
Genome position (GRCh38, 1-based): chr20:44,420,045, A>G. VCF-style: chr20-44420045-A-G. GRCh37 (hg19) VCF-style: chr20-43048685-A-G.
Other names: c.817+169A>G (NM_001287182.2, NM_001287183.2, NM_001287184.2); c.826+169A>G (NM_001030003.3, NM_001030004.3); c.871+169A>G (NM_001258355.2); c.892+169A>G (NM_178849.3, NM_000457.6, NM_178850.3).
Identifiers: ClinVar variation 676881 (VCV000676881.2), dbSNP rs3212201, ClinGen allele CA14757887.
Genomic context (GRCh38, chr20:44,420,045, plus strand): 5'-CGACAGCCAGGAGAGGCCGTTTTCATTTAACAGATGAGGCAAGTCAAGATTTGAAGAGAC[A>G]ATATGGCCGGGCGCAGTGGCTCACACCTGTAATCCCAGCACTTTGGGAGGCTGAGGCGGG-3'

ClinVar aggregate classification (germline): Benign. Review status: criteria provided, multiple submitters, no conflicts (2 of 4 stars). 2 submissions from 2 submitters: Benign (2). Last evaluated 2018-06-14.

Conditions:
Maturity-onset diabetes of the young (MODY). Also called: Maturity onset diabetes mellitus in young. Identifiers: Orphanet 552, MedGen C0342276, MONDO:0018911, HP:0004904.

Allele frequency attached by ClinVar (database versions not stated): 1000 Genomes Project 0.44828; 1000 Genomes Project 30x 0.45237; TOPMed 0.54394.
gnomAD v4.1: 83,113 of 151,998 alleles (55%); highest among the groups gnomAD compares: Middle Eastern, 67%; 23,079 homozygotes.

Submissions (2):

GeneDx
Classification: Benign. Last evaluated: 2018-06-14. Review status: criteria provided, single submitter. Criteria: GeneDx Variant Classification (06012015). Collection method: clinical testing. Allele origin: germline. Affected: yes.
Comment: This variant is considered likely benign or benign based on one or more of the following criteria: it is a conservative change, it occurs at a poorly conserved position in the protein, it is predicted to be benign by multiple in silico algorithms, and/or has population frequency not consistent with disease.

Clinical Genomics, Uppaluri K&H Personalized Medicine Clinic
Classification: Benign for Maturity-onset diabetes of the young. Review status: criteria provided, single submitter. Criteria: K & H Uppaluri Personalized Medicine Clinic Variant Classification & Assertion Criteria_Updated V.1. Collection method: research. Allele origin: unknown. Inheritance: Autosomal dominant inheritance.
Comment: Potent mutations in HNF4A are associated with poor insulin secretion in response to hyperglycemia. Associated with MODY1. Patients initially respond well to sulfonylureas but eventually become insulin dependent. However, more evidence is required to ascertain the role of this particular variant rs3212201 in MODY, yet.

Literature cited by the submitters: PubMed 18268044 (cited by Clinical Genomics, Uppaluri K&H Personalized Medicine Clinic); PubMed 17563455 (cited by Clinical Genomics, Uppaluri K&H Personalized Medicine Clinic); PubMed 32583173 (cited by Clinical Genomics, Uppaluri K&H Personalized Medicine Clinic); PubMed 35052457 (cited by Clinical Genomics, Uppaluri K&H Personalized Medicine Clinic); PubMed 35118593 (cited by Clinical Genomics, Uppaluri K&H Personalized Medicine Clinic); DOI 10.1159/000334532 (cited by Clinical Genomics, Uppaluri K&H Personalized Medicine Clinic).